The following is an entry in ClinVar:

ClinVar aggregate classification (germline): Uncertain significance (1 of 4 stars; one submission).

Submission:

Labcorp Genetics (formerly Invitae), Labcorp
Classification: Uncertain significance. Last evaluated: 2023-05-01. Review status: criteria provided, single submitter. Criteria: Invitae Variant Classification Sherloc (09022015). Collection method: clinical testing. Allele origin: germline.
Comment: Information on the frequency of this variant in the gnomAD database is not available, as this variant may be reported differently in the database. This sequence change replaces alanine, which is neutral and non-polar, with valine, which is neutral and non-polar, at codon 260 of the MKL1 protein (p.Ala260Val). This variant has not been reported in the literature in individuals affected with MKL1-related conditions. In summary, the available evidence is currently insufficient to determine the role of this variant in disease. Therefore, it has been classified as a Variant of Uncertain Significance. An algorithm developed to predict the effect of missense changes on protein structure and function (PolyPhen-2) suggests that this variant is likely to be disruptive.

NM_020831.6(MRTFA):c.1079_1080delinsTT (p.Ala360Val)

Gene: MRTFA (myocardin related transcription factor A; minus strand). Cytogenetic location: 22q13.1.
Variant type: Indel.
Coding change: c.1079_1080delinsTT on transcript NM_020831.6 (MANE Select); coding-DNA positions 1079 to 1080, CC replaced by TT.
Protein change: p.Ala360Val; replaces alanine 360 with valine.
Molecular consequence: missense variant.
Genome position (GRCh38, 1-based): chr22:40,420,948-40,420,949, GG replaced by AA on the plus strand (CC replaced by TT on the coding strand, the reverse complement: MRTFA is on the minus strand). VCF-style: chr22-40420948-GG-AA. GRCh37 (hg19) VCF-style: chr22-40816952-GG-AA.
Other names: c.779_780delinsTT, p.Ala260Val (NM_001282660.2); c.929_930delinsTT, p.Ala310Val (NM_001282661.3); c.1079_1080delinsTT, p.Ala360Val (NM_001282662.3); c.884_885delinsTT, p.Ala295Val (NM_001318139.2); short protein forms A295V, A260V, A310V, A360V.
Identifiers: ClinVar variation 2855593 (VCV002855593.3), dbSNP rs2517825597, ClinGen allele CA2739267976.